The following is an entry in ClinVar:

ClinVar aggregate classification (germline): Uncertain significance (1 of 4 stars; one submission).

Conditions:
Tuberous sclerosis 1 (TSC1). Identifiers: Orphanet 805, MedGen C1854465, MONDO:0008612, OMIM 191100.

Submission:

Labcorp Genetics (formerly Invitae), Labcorp
Classification: Uncertain significance for Tuberous sclerosis 1. Last evaluated: 2024-10-08. Review status: criteria provided, single submitter. Criteria: Invitae Variant Classification Sherloc (09022015). Collection method: clinical testing. Allele origin: germline.
Comment: This sequence change replaces leucine, which is neutral and non-polar, with phenylalanine, which is neutral and non-polar, at codon 129 of the TSC1 protein (p.Leu129Phe). This variant is not present in population databases (gnomAD no frequency). This variant has not been reported in the literature in individuals affected with TSC1-related conditions. ClinVar contains an entry for this variant (Variation ID: 1480617). Invitae Evidence Modeling of protein sequence and biophysical properties (such as structural, functional, and spatial information, amino acid conservation, physicochemical variation, residue mobility, and thermodynamic stability) has been performed for this missense variant. However, the output from this modeling did not meet the statistical confidence thresholds required to predict the impact of this variant on TSC1 protein function. In summary, the available evidence is currently insufficient to determine the role of this variant in disease. Therefore, it has been classified as a Variant of Uncertain Significance.

NM_000368.5(TSC1):c.385C>T (p.Leu129Phe)

Gene: TSC1 (TSC complex subunit 1; minus strand). Cytogenetic location: 9q34.13.
Variant type: single nucleotide variant.
Coding change: c.385C>T on transcript NM_000368.5 (MANE Select); coding-DNA position 385, C replaced by T.
Protein change: p.Leu129Phe; replaces leucine 129 with phenylalanine.
Molecular consequence: missense variant.
Genome position (GRCh38, 1-based): chr9:132,923,471, G>A on the plus strand (C>T on the coding strand, the complement: TSC1 is on the minus strand). VCF-style: chr9-132923471-G-A. GRCh37 (hg19) VCF-style: chr9-135798858-G-A.
Other names: c.385C>T, p.Leu129Phe (NM_001162426.2); c.232C>T, p.Leu78Phe (NM_001162427.2); c.22C>T, p.Leu8Phe (NM_001362177.2); short protein forms L8F, L129F, L78F.
Identifiers: ClinVar variation 1480617 (VCV001480617.6), dbSNP rs1060503198, ClinGen allele CA375373676.